The following is an entry in ClinVar:

ClinVar aggregate classification (germline): Pathogenic (1 of 4 stars; one submission).

Conditions:
KBG syndrome (KBGS). Also called: ANKRD11-Related KBG Syndrome. Identifiers: Orphanet 2332, MedGen C0220687, MONDO:0007846, OMIM 148050.

Submission:

Baylor Genetics
Classification: Pathogenic for KBG syndrome. Last evaluated: 2020-03-05. Review status: criteria provided, single submitter. Criteria: ACMG Guidelines, 2015. Collection method: clinical testing. Allele origin: de novo. Affected: yes.
Comment: This variant was determined to be pathogenic according to ACMG Guidelines, 2015 [PMID:25741868].

NM_013275.6(ANKRD11):c.3651C>A (p.Tyr1217Ter)

Gene: ANKRD11 (ankyrin repeat domain 11; minus strand). Cytogenetic location: 16q24.3.
Variant type: single nucleotide variant.
Coding change: c.3651C>A on transcript NM_013275.6 (MANE Select); coding-DNA position 3651, C replaced by A.
Protein change: p.Tyr1217Ter; replaces tyrosine 1217 with a stop codon.
Molecular consequence: nonsense.
Genome position (GRCh38, 1-based): chr16:89,282,891, G>T on the plus strand (C>A on the coding strand, the complement: ANKRD11 is on the minus strand). VCF-style: chr16-89282891-G-T. GRCh37 (hg19) VCF-style: chr16-89349299-G-T.
Other names: c.3651C>A, p.Tyr1217Ter (NM_001256182.2, NM_001256183.2); short protein forms Y1217*.
Identifiers: ClinVar variation 1027800 (VCV001027800.1), dbSNP rs2034378960, ClinGen allele CA397159321.